The following is an entry in ClinVar:

ClinVar aggregate classification (germline): Benign/Likely benign. Review status: criteria provided, multiple submitters, no conflicts (2 of 4 stars). 11 submissions from 11 submitters: Benign (6); Likely benign (4). 1 of the submissions does not count toward it. Last evaluated 2026-02-03.

Conditions:
G6PD-related disorder. Also called: G6PD-related condition.
G6PD deficiency. Also called: G6PD A-. Identifiers: MedGen C2939465, MONDO:0005775.
Anemia, nonspherocytic hemolytic, due to G6PD deficiency (CNSHA1). Also called: Class I glucose-6-phosphate dehydrogenase deficiency; Favism, susceptibility to; ANEMIA, CONGENITAL, NONSPHEROCYTIC HEMOLYTIC, 1; Hemolytic anemia due to G6PD deficiency. Identifiers: Orphanet 466026, MedGen C2720289, MONDO:0010480, OMIM 300908.

Allele frequency attached by ClinVar (database versions not stated): gnomAD exomes 0.00235 and 0.00676; ExAC 0.00943; gnomAD 0.02267 and 0.02424; 1000 Genomes Project 0.02490; TOPMed 0.02634; ESP Exome Variant Server 0.03077; 1000 Genomes Project 30x 0.02497.
gnomAD v4.1: 5,201 of 1,209,236 alleles (0.43%); highest among the groups gnomAD compares: African/African-American, 8.2%; 161 homozygotes.

Submissions (11):

Labcorp Genetics (formerly Invitae), Labcorp
Classification: Benign for Anemia, nonspherocytic hemolytic, due to G6PD deficiency. Last evaluated: 2026-02-03. Review status: criteria provided, single submitter. Criteria: Invitae Variant Classification Sherloc (09022015). Collection method: clinical testing. Allele origin: germline.

Women's Health and Genetics/Laboratory Corporation of America, LabCorp
Classification: Benign. Last evaluated: 2026-01-22. Review status: criteria provided, single submitter. Criteria: LabCorp Variant Classification Summary - May 2015. Collection method: clinical testing. Allele origin: germline.

ARUP Laboratories, Molecular Genetics and Genomics, ARUP Laboratories
Classification: Benign. Last evaluated: 2025-07-03. Review status: criteria provided, single submitter. Criteria: ARUP Molecular Germline Variant Investigation Process 2024. Collection method: clinical testing. Allele origin: germline.

Blueprint Genetics
Classification: Likely benign. Last evaluated: 2024-11-25. Review status: criteria provided, single submitter. Criteria: ACMG Guidelines, 2015. Collection method: clinical testing. Allele origin: germline.

Dunham Lab, University of Washington
Classification: Likely benign for Anemia, nonspherocytic hemolytic, due to G6PD deficiency. Last evaluated: 2024-09-01. Review status: criteria provided, single submitter. Criteria: ACMG Guidelines, 2015. Collection method: curation. Allele origin: unknown. Affected: no.
Comment: Reported in >3 hemi- and homozygotes with normal G6PD activity in red blood cells (BS3). Additional interpretation on ClinVar support benign (BP6).

GeneDx
Classification: Benign. Last evaluated: 2019-03-09. Review status: criteria provided, single submitter. Criteria: GeneDx Variant Classification Process June 2021. Collection method: clinical testing. Allele origin: germline. Affected: yes.

Illumina Laboratory Services, Illumina
Classification: Likely benign for Glucose 6 phosphate dehydrogenase deficiency. Last evaluated: 2018-01-12. Review status: criteria provided, single submitter. Criteria: ICSL Variant Classification Criteria 13 December 2019. Collection method: clinical testing. Allele origin: germline.
Comment: This variant was observed in the ICSL laboratory as part of a predisposition screen in an ostensibly healthy population. It had not been previously curated by ICSL or reported in the Human Gene Mutation Database (HGMD: prior to June 1st, 2018), and was therefore a candidate for classification through an automated scoring system. Utilizing variant allele frequency, disease prevalence and penetrance estimates, and inheritance mode, an automated score was calculated to assess if this variant is too frequent to cause the disease. Based on the score and internal cut-off values, a variant classified as likely benign is not then subjected to further curation. The score for this variant resulted in a classification of likely benign for this disease.

Mayo Clinic Laboratories, Mayo Clinic
Classification: Benign. Last evaluated: 2016-04-21. Review status: criteria provided, single submitter. Criteria: ACMG Guidelines, 2015. Collection method: clinical testing. Allele origin: germline. Observed: 55 variant alleles.

Eurofins Ntd Llc (ga)
Classification: Benign. Last evaluated: 2012-07-10. Review status: criteria provided, single submitter. Criteria: EGL Classification Definitions 2015. Collection method: clinical testing. Allele origin: germline. Observed: 14 variant alleles, 13 heterozygotes, 1 hemizygote.

Breakthrough Genomics
Classification: Likely benign. Review status: criteria provided, single submitter. Criteria: ACMG Guidelines, 2015. Collection method: not provided. Allele origin: germline. Inheritance: X-linked inheritance. Affected: yes.

PreventionGenetics, part of Exact Sciences
Classification: Benign for G6PD-related condition. Last evaluated: 2019-07-11. Review status: no assertion criteria provided. Collection method: clinical testing. Allele origin: germline. Not counted in ClinVar's aggregate classification.
Comment: This variant is classified as benign based on ACMG/AMP sequence variant interpretation guidelines (Richards et al. 2015 PMID: 25741868, with internal and published modifications).

Literature cited by the submitters: PubMed 38645242 (cited by Dunham Lab, University of Washington).

NM_001360016.2(G6PD):c.1431C>T (p.Pro477=)

Gene: G6PD (glucose-6-phosphate dehydrogenase; minus strand). Cytogenetic location: Xq28.
Variant type: single nucleotide variant.
Coding change: c.1431C>T on transcript NM_001360016.2 (MANE Select); coding-DNA position 1431, C replaced by T.
Protein change: p.Pro477=; no amino-acid change (proline 477 retained).
Molecular consequence: synonymous variant.
Genome position (GRCh38, 1-based): chrX:154,532,214, G>A on the plus strand (C>T on the coding strand, the complement: G6PD is on the minus strand). VCF-style: chrX-154532214-G-A. GRCh37 (hg19) VCF-style: chrX-153760429-G-A.
Other names: p.Pro477=; c.1521C>T, p.Pro507= (NM_000402.4); c.1431C>T, p.Pro477= (NM_001042351.3).
Identifiers: ClinVar variation 93496 (VCV000093496.40), dbSNP rs77214077, ClinGen allele CA147009.